The following is an entry in ClinVar:

NM_032861.4(SERAC1):c.458G>A (p.Arg153Gln)

Gene: SERAC1 (serine active site containing 1; minus strand). Cytogenetic location: 6q25.3.
Variant type: single nucleotide variant.
Coding change: c.458G>A on transcript NM_032861.4 (MANE Select); coding-DNA position 458, G replaced by A.
Protein change: p.Arg153Gln; replaces arginine 153 with glutamine.
Molecular consequence: missense variant. On other transcripts: non-coding transcript variant (1).
Genome position (GRCh38, 1-based): chr6:158,146,811, C>T on the plus strand (G>A on the coding strand, the complement: SERAC1 is on the minus strand). VCF-style: chr6-158146811-C-T. GRCh37 (hg19) VCF-style: chr6-158567843-C-T.
Other names: c.458G>A (NM_032861.3); short protein forms R153Q.
Identifiers: ClinVar variation 2161828 (VCV002161828.4), dbSNP rs549677025, ClinGen allele CA4071360.

ClinVar aggregate classification (germline): Conflicting classifications of pathogenicity. Review status: criteria provided, conflicting classifications (1 of 4 stars). 2 submissions from 2 submitters: Uncertain significance (1); Likely benign (1). Last evaluated 2025-08-21.

Conditions:
Inborn genetic diseases. Identifiers: MedGen C0950123, MeSH D030342.
3-methylglutaconic aciduria with deafness, encephalopathy, and Leigh-like syndrome (MEGDEL). Also called: 3-METHYLGLUTACONIC ACIDURIA, TYPE VI; SERAC1 Deficiency; MEGDEL syndrome. Identifiers: Orphanet 352328, MedGen C4040739, MONDO:0013875, OMIM 614739.

Allele frequency attached by ClinVar (database versions not stated): gnomAD 0.00001; gnomAD exomes 0.00001; TOPMed 0.00001; ExAC 0.00002; 1000 Genomes Project 30x 0.00016; 1000 Genomes Project 0.00020.
gnomAD v4.1: 22 of 1,613,882 alleles (0.0014%); highest among the groups gnomAD compares: South Asian, 0.0055%; no homozygotes.

Submissions (2):

Labcorp Genetics (formerly Invitae), Labcorp
Classification: Uncertain significance for 3-methylglutaconic aciduria with deafness, encephalopathy, and Leigh-like syndrome. Last evaluated: 2025-08-21. Review status: criteria provided, single submitter. Criteria: Invitae Variant Classification Sherloc (09022015). Collection method: clinical testing. Allele origin: germline.
Comment: This sequence change replaces arginine, which is basic and polar, with glutamine, which is neutral and polar, at codon 153 of the SERAC1 protein (p.Arg153Gln). This variant is present in population databases (rs549677025, gnomAD 0.006%). This variant has not been reported in the literature in individuals affected with SERAC1-related conditions. ClinVar contains an entry for this variant (Variation ID: 2161828). Invitae Evidence Modeling of protein sequence and biophysical properties (such as structural, functional, and spatial information, amino acid conservation, physicochemical variation, residue mobility, and thermodynamic stability) indicates that this missense variant is not expected to disrupt SERAC1 protein function with a negative predictive value of 80%. In summary, the available evidence is currently insufficient to determine the role of this variant in disease. Therefore, it has been classified as a Variant of Uncertain Significance.

Ambry Genetics
Classification: Likely benign for Inborn genetic diseases. Last evaluated: 2025-08-05. Review status: criteria provided, single submitter. Criteria: Ambry Variant Classification Scheme 2023. Collection method: clinical testing. Allele origin: germline.